The following is an entry in ClinVar:

ClinVar aggregate classification (germline): Uncertain significance (1 of 4 stars; one submission).

Allele frequency attached by ClinVar (database versions not stated): gnomAD exomes below 0.00001; ExAC 0.00001.
gnomAD v4.1: 2 of 1,613,710 alleles (0.00012%); highest among the groups gnomAD compares: East Asian, 0.0022%; no homozygotes.

Submission:

Labcorp Genetics (formerly Invitae), Labcorp
Classification: Uncertain significance. Last evaluated: 2021-10-02. Review status: criteria provided, single submitter. Criteria: Invitae Variant Classification Sherloc (09022015). Collection method: clinical testing. Allele origin: germline.
Comment: In summary, the available evidence is currently insufficient to determine the role of this variant in disease. Therefore, it has been classified as a Variant of Uncertain Significance. Algorithms developed to predict the effect of missense changes on protein structure and function are either unavailable or do not agree on the potential impact of this missense change (SIFT: "Deleterious"; PolyPhen-2: "Probably Damaging"; Align-GVGD: "Class C0"). This variant has not been reported in the literature in individuals affected with AP1S1-related conditions. This variant is present in population databases (rs755587797, ExAC 0.01%). This sequence change replaces leucine with proline at codon 101 of the AP1S1 protein (p.Leu101Pro). The leucine residue is highly conserved and there is a moderate physicochemical difference between leucine and proline.

NM_001283.5(AP1S1):c.302T>C (p.Leu101Pro)

Gene: AP1S1 (adaptor related protein complex 1 subunit sigma 1; plus strand). Cytogenetic location: 7q22.1.
Variant type: single nucleotide variant.
Coding change: c.302T>C on transcript NM_001283.5 (MANE Select); coding-DNA position 302, T replaced by C.
Protein change: p.Leu101Pro; replaces leucine 101 with proline.
Molecular consequence: missense variant.
Genome position (GRCh38, 1-based): chr7:101,159,069, T>C. VCF-style: chr7-101159069-T-C. GRCh37 (hg19) VCF-style: chr7-100802350-T-C.
Other names: short protein forms L101P.
Identifiers: ClinVar variation 1478529 (VCV001478529.6), dbSNP rs755587797, ClinGen allele CA4405979.
Genomic context (GRCh38, chr7:101,159,069, plus strand): 5'-GGCTCCAGTTGCCCCTCCATGCTCAACTTAGCCTCTCCCCGCCCTCCCAGGTGTGCGAGC[T>C]GGACATCATCTTCAACTTTGAGAAGGCCTACTTCATCCTGGATGAGTTTTTGATGGGGGG-3'
Protein context (NP_001274.1, residues 91-111): LDKYFGSVCE[Leu101Pro]DIIFNFEKAY